The following is an entry in ClinVar:

ClinVar aggregate classification (germline): Uncertain significance (1 of 4 stars; one submission).

Conditions:
Fanconi anemia complementation group E (FANCE). Also called: FANCE-Related Fanconi Anemia. Identifiers: Orphanet 84, MedGen C3160739, MONDO:0010953, OMIM 600901.

Submission:

Labcorp Genetics (formerly Invitae), Labcorp
Classification: Uncertain significance for Fanconi anemia complementation group E. Last evaluated: 2022-07-12. Review status: criteria provided, single submitter. Criteria: Invitae Variant Classification Sherloc (09022015). Collection method: clinical testing. Allele origin: germline.
Comment: ClinVar contains an entry for this variant (Variation ID: 1463205). Algorithms developed to predict the effect of missense changes on protein structure and function (SIFT, PolyPhen-2, Align-GVGD) all suggest that this variant is likely to be disruptive. In summary, the available evidence is currently insufficient to determine the role of this variant in disease. Therefore, it has been classified as a Variant of Uncertain Significance. This sequence change replaces methionine, which is neutral and non-polar, with threonine, which is neutral and polar, at codon 493 of the FANCE protein (p.Met493Thr). This variant is not present in population databases (gnomAD no frequency). This variant has not been reported in the literature in individuals affected with FANCE-related conditions.

NM_021922.3(FANCE):c.1478T>C (p.Met493Thr)

Gene: FANCE (FA complementation group E; plus strand). Cytogenetic location: 6p21.31.
Variant type: single nucleotide variant.
Coding change: c.1478T>C on transcript NM_021922.3 (MANE Select); coding-DNA position 1478, T replaced by C.
Protein change: p.Met493Thr; replaces methionine 493 with threonine.
Molecular consequence: missense variant.
Genome position (GRCh38, 1-based): chr6:35,462,883, T>C. VCF-style: chr6-35462883-T-C. GRCh37 (hg19) VCF-style: chr6-35430660-T-C.
Other names: short protein forms M493T.
Identifiers: ClinVar variation 1463205 (VCV001463205.7), dbSNP rs979790377, ClinGen allele CA363778044.